The following is an entry in ClinVar:

ClinVar aggregate classification (germline): Uncertain significance (1 of 4 stars; one submission).

Conditions:
Cardiovascular phenotype. Identifiers: MedGen CN230736.

gnomAD v4.1: 3 of 1,613,956 alleles (0.00019%); no homozygotes.

Submission:

Ambry Genetics
Classification: Uncertain significance for Cardiovascular phenotype. Last evaluated: 2019-06-18. Review status: criteria provided, single submitter. Criteria: Ambry Variant Classification Scheme 2023. Collection method: clinical testing. Allele origin: germline.
Comment: The p.E104Q variant (also known as c.310G>C), located in coding exon 2 of the RAF1 gene, results from a G to C substitution at nucleotide position 310. The glutamic acid at codon 104 is replaced by glutamine, an amino acid with highly similar properties. This amino acid position is well conserved in available vertebrate species. In addition, this alteration is predicted to be tolerated by in silico analysis. Since supporting evidence is limited at this time, the clinical significance of this alteration remains unclear.

NM_002880.4(RAF1):c.310G>C (p.Glu104Gln)

Gene: RAF1 (Raf-1 proto-oncogene, serine/threonine kinase; minus strand). Cytogenetic location: 3p25.2.
Variant type: single nucleotide variant.
Coding change: c.310G>C on transcript NM_002880.4 (MANE Select); coding-DNA position 310, G replaced by C.
Protein change: p.Glu104Gln; replaces glutamic acid 104 with glutamine.
Molecular consequence: missense variant. On other transcripts: non-coding transcript variant (3), intron variant (4).
Genome position (GRCh38, 1-based): chr3:12,611,960, C>G on the plus strand (G>C on the coding strand, the complement: RAF1 is on the minus strand). VCF-style: chr3-12611960-C-G. GRCh37 (hg19) VCF-style: chr3-12653459-C-G.
Other names: c.310G>C, p.Glu104Gln (NM_001354689.3, NM_001354690.3, NM_001354693.3); c.78-2625G>C (NM_001354695.3, NM_001354692.3, NM_001354694.3 and 1 more transcripts); short protein forms E104Q.
Identifiers: ClinVar variation 1727735 (VCV001727735.2), dbSNP rs896491732, ClinGen allele CA69624760.